The following is an entry in ClinVar:

NM_001852.4(COL9A2):c.792+16C>T

Gene: COL9A2 (collagen type IX alpha 2 chain; minus strand). Cytogenetic location: 1p34.2.
Variant type: single nucleotide variant.
Coding change: c.792+16C>T on transcript NM_001852.4 (MANE Select); 16 bases into the intron after coding-DNA position 792, C replaced by T.
Molecular consequence: intron variant.
Genome position (GRCh38, 1-based): chr1:40,310,095, G>A on the plus strand (C>T on the coding strand, the complement: COL9A2 is on the minus strand). VCF-style: chr1-40310095-G-A. GRCh37 (hg19) VCF-style: chr1-40775767-G-A.
Identifiers: ClinVar variation 258395 (VCV000258395.15), dbSNP rs77550258, ClinGen allele CA791752.

ClinVar aggregate classification (germline): Benign. Review status: criteria provided, multiple submitters, no conflicts (2 of 4 stars). 7 submissions from 7 submitters: Benign (5). 2 of the submissions do not count toward it. Last evaluated 2026-05-09.

Allele frequency attached by ClinVar (database versions not stated): gnomAD exomes 0.00983 and 0.00368; ExAC 0.01169; gnomAD 0.03883 and 0.03624; TOPMed 0.04193; 1000 Genomes Project 0.04593; ESP Exome Variant Server 0.04060; 1000 Genomes Project 30x 0.05091.
gnomAD v4.1: 11,091 of 1,613,936 alleles (0.69%); highest among the groups gnomAD compares: African/African-American, 13%; 647 homozygotes.

Submissions (7):

Women's Health and Genetics/Laboratory Corporation of America, LabCorp
Classification: Benign. Last evaluated: 2026-05-09. Review status: criteria provided, single submitter. Criteria: LabCorp Variant Classification Summary - May 2015. Collection method: clinical testing. Allele origin: germline.

Labcorp Genetics (formerly Invitae), Labcorp
Classification: Benign. Last evaluated: 2026-02-02. Review status: criteria provided, single submitter. Criteria: Invitae Variant Classification Sherloc (09022015). Collection method: clinical testing. Allele origin: germline.

GeneDx
Classification: Benign. Last evaluated: 2016-10-14. Review status: criteria provided, single submitter. Criteria: GeneDx Variant Classification (06012015). Collection method: clinical testing. Allele origin: germline. Affected: yes.
Comment: This variant is considered likely benign or benign based on one or more of the following criteria: it is a conservative change, it occurs at a poorly conserved position in the protein, it is predicted to be benign by multiple in silico algorithms, and/or has population frequency not consistent with disease.

Breakthrough Genomics
Classification: Benign. Review status: criteria provided, single submitter. Criteria: ACMG Guidelines, 2015. Collection method: not provided. Allele origin: germline. Inheritance: Autosomal recessive inheritance. Affected: yes.

PreventionGenetics, part of Exact Sciences
Classification: Benign. Review status: criteria provided, single submitter. Criteria: ACMG Guidelines, 2015. Collection method: clinical testing. Allele origin: germline.

Genome Diagnostics Laboratory, Amsterdam University Medical Center
Classification: Benign. Review status: no assertion criteria provided. Collection method: clinical testing. Allele origin: germline. Affected: yes. Study: VKGL Data-share Consensus. Not counted in ClinVar's aggregate classification.

Joint Genome Diagnostic Labs from Nijmegen and Maastricht, Radboudumc and MUMC+
Classification: Benign. Review status: no assertion criteria provided. Collection method: clinical testing. Allele origin: germline. Affected: yes. Study: VKGL Data-share Consensus. Not counted in ClinVar's aggregate classification.